The following is an entry in ClinVar:

ClinVar aggregate classification (germline): Likely pathogenic (1 of 4 stars; one submission).

Conditions:
WDR62-related disorder. Also called: WDR62-related condition.

Submission:

PreventionGenetics, part of Exact Sciences
Classification: Likely pathogenic for WDR62-related condition. Last evaluated: 2025-01-02. Review status: criteria provided, single submitter. Criteria: ACMG Guidelines, 2015. Collection method: clinical testing. Allele origin: germline.
Comment: The WDR62 c.89delG variant is predicted to result in a frameshift and premature protein termination (p.Gly30Alafs*47). To our knowledge, this variant has not been reported in the literature or in a large population database (gnomAD), indicating this variant is rare. Frameshift variants in WDR62 are expected to be pathogenic. This variant is interpreted as likely pathogenic.

NM_001083961.2(WDR62):c.89del (p.Gly30fs)

Gene: WDR62 (WD repeat domain 62; plus strand). Cytogenetic location: 19q13.12.
Variant type: Deletion.
Coding change: c.89del on transcript NM_001083961.2 (MANE Select); coding-DNA position 89, one base deleted (G; older notation c.89delG).
Protein change: p.Gly30fs; shifts the reading frame from glycine 30.
Molecular consequence: frameshift variant.
Genome position (GRCh38, 1-based): chr19:36,055,060, G deleted; the last of 4 consecutive G bases (chr19:36,055,057-36,055,060); deleting any one gives the same sequence. VCF-style (leftmost placement, unchanged base first): chr19-36055056-AG-A. GRCh37 (hg19) VCF-style: chr19-36545958-AG-A.
Other names: c.89del, p.Gly30fs (NM_001411145.1, NM_001411146.1, NM_001411147.1 and 1 more transcripts); short protein forms G30fs.
Identifiers: ClinVar variation 4997516 (VCV004997516.1).